The following is an entry in ClinVar:

ClinVar aggregate classification (germline): Uncertain significance (1 of 4 stars; one submission).

Submission:

Labcorp Genetics (formerly Invitae), Labcorp
Classification: Uncertain significance. Last evaluated: 2024-12-03. Review status: criteria provided, single submitter. Criteria: Invitae Variant Classification Sherloc (09022015). Collection method: clinical testing. Allele origin: germline.
Comment: This sequence change replaces threonine, which is neutral and polar, with alanine, which is neutral and non-polar, at codon 1627 of the FLNB protein (p.Thr1627Ala). This variant is not present in population databases (gnomAD no frequency). This variant has not been reported in the literature in individuals affected with FLNB-related conditions. Invitae Evidence Modeling of protein sequence and biophysical properties (such as structural, functional, and spatial information, amino acid conservation, physicochemical variation, residue mobility, and thermodynamic stability) indicates that this missense variant is not expected to disrupt FLNB protein function with a negative predictive value of 95%. In summary, the available evidence is currently insufficient to determine the role of this variant in disease. Therefore, it has been classified as a Variant of Uncertain Significance.

NM_001457.4(FLNB):c.4879A>G (p.Thr1627Ala)

Gene: FLNB (filamin B; plus strand). Cytogenetic location: 3p14.3.
Variant type: single nucleotide variant.
Coding change: c.4879A>G on transcript NM_001457.4 (MANE Select); coding-DNA position 4879, A replaced by G.
Protein change: p.Thr1627Ala; replaces threonine 1627 with alanine.
Molecular consequence: missense variant.
Genome position (GRCh38, 1-based): chr3:58,138,299, A>G. VCF-style: chr3-58138299-A-G. GRCh37 (hg19) VCF-style: chr3-58124026-A-G.
Other names: c.4972A>G, p.Thr1658Ala (NM_001164317.2); c.4879A>G, p.Thr1627Ala (NM_001164318.2, NM_001164319.2); short protein forms T1658A, T1627A.
Identifiers: ClinVar variation 3635734 (VCV003635734.2).